The following is an entry in ClinVar:

NM_004984.4(KIF5A):c.3020+215C>G

Gene: KIF5A (kinesin family member 5A; plus strand). Cytogenetic location: 12q13.3.
Variant type: single nucleotide variant.
Coding change: c.3020+215C>G on transcript NM_004984.4 (MANE Select); 215 bases into the intron after coding-DNA position 3020, C replaced by G.
Molecular consequence: intron variant.
Genome position (GRCh38, 1-based): chr12:57,582,844, C>G. VCF-style: chr12-57582844-C-G. GRCh37 (hg19) VCF-style: chr12-57976627-C-G.
Other names: c.2753+215C>G (NM_001354705.2).
Identifiers: ClinVar variation 2643142 (VCV002643142.24), dbSNP rs555889785, ClinGen allele CA237791890.

ClinVar aggregate classification (germline): Benign (1 of 4 stars; one submission).

Allele frequency attached by ClinVar (database versions not stated): gnomAD exomes 0.00031; 1000 Genomes Project 30x 0.00141; 1000 Genomes Project 0.00120; gnomAD 0.00129; TOPMed 0.00133.
gnomAD v4.1: 351 of 637,406 alleles (0.055%); highest among the groups gnomAD compares: African/African-American, 0.42%; 1 homozygote.

Submission:

CeGaT Center for Human Genetics Tuebingen
Classification: Benign. Last evaluated: 2022-07-01. Review status: criteria provided, single submitter. Criteria: CeGaT Center For Human Genetics Tuebingen Variant Classification Criteria Version 2. Collection method: clinical testing. Allele origin: germline. Affected: yes. Observed: 1 variant allele.
Comment: KIF5A: BS1, BS2